The following is an entry in ClinVar:

ClinVar aggregate classification (germline): Uncertain significance (1 of 4 stars; one submission).

Conditions:
Retinitis pigmentosa 12 (RP12). Also called: RP WITH OR WITHOUT PPRPE; RP WITH OR WITHOUT PRESERVED PARAARTERIOLE RETINAL PIGMENT EPITHELIUM; RETINITIS PIGMENTOSA WITH OR WITHOUT PARAARTERIOLAR PRESERVATION OF RETINAL PIGMENT EPITHELIUM. Identifiers: Orphanet 791, MedGen C1838647, MONDO:0010818, OMIM 600105.
Leber congenital amaurosis 8 (LCA8). Identifiers: Orphanet 65, MedGen C3151202, MONDO:0013453, OMIM 613835.

Submission:

Labcorp Genetics (formerly Invitae), Labcorp
Classification: Uncertain significance for Leber congenital amaurosis 8; Retinitis pigmentosa 12. Last evaluated: 2022-06-20. Review status: criteria provided, single submitter. Criteria: Invitae Variant Classification Sherloc (09022015). Collection method: clinical testing. Allele origin: germline.
Comment: In summary, the available evidence is currently insufficient to determine the role of this variant in disease. Therefore, it has been classified as a Variant of Uncertain Significance. Advanced modeling of protein sequence and biophysical properties (such as structural, functional, and spatial information, amino acid conservation, physicochemical variation, residue mobility, and thermodynamic stability) performed at Invitae indicates that this missense variant is not expected to disrupt CRB1 protein function. ClinVar contains an entry for this variant (Variation ID: 1064319). This variant has not been reported in the literature in individuals affected with CRB1-related conditions. This variant is not present in population databases (gnomAD no frequency). This sequence change replaces glutamic acid, which is acidic and polar, with glutamine, which is neutral and polar, at codon 972 of the CRB1 protein (p.Glu972Gln).

NM_201253.3(CRB1):c.2914G>C (p.Glu972Gln)

Gene: CRB1 (crumbs cell polarity complex component 1; plus strand). Cytogenetic location: 1q31.3.
Variant type: single nucleotide variant.
Coding change: c.2914G>C on transcript NM_201253.3 (MANE Select); coding-DNA position 2914, G replaced by C.
Protein change: p.Glu972Gln; replaces glutamic acid 972 with glutamine.
Molecular consequence: missense variant. On other transcripts: non-coding transcript variant (2), intron variant (1).
Genome position (GRCh38, 1-based): chr1:197,434,777, G>C. VCF-style: chr1-197434777-G-C. GRCh37 (hg19) VCF-style: chr1-197403907-G-C.
Other names: c.2578G>C, p.Glu860Gln (NM_001193640.2); c.2842G>C, p.Glu948Gln (NM_001257965.2); c.2129-823G>C (NM_001257966.2); short protein forms E860Q, E948Q, E972Q.
Identifiers: ClinVar variation 1064319 (VCV001064319.9), dbSNP rs1665045248, ClinGen allele CA344043489.